The following is an entry in ClinVar:

NM_007194.4(CHEK2):c.978C>T (p.Leu326=)

Gene: CHEK2 (checkpoint kinase 2; minus strand). Cytogenetic location: 22q12.1.
Variant type: single nucleotide variant.
Coding change: c.978C>T on transcript NM_007194.4 (MANE Select); coding-DNA position 978, C replaced by T.
Protein change: p.Leu326=; no amino-acid change (leucine 326 retained).
Molecular consequence: synonymous variant.
Genome position (GRCh38, 1-based): chr22:28,699,868, G>A on the plus strand (C>T on the coding strand, the complement: CHEK2 is on the minus strand). VCF-style: chr22-28699868-G-A. GRCh37 (hg19) VCF-style: chr22-29095856-G-A.
Other names: c.1107C>T, p.Leu369= (NM_001005735.3); c.315C>T, p.Leu105= (NM_001257387.3); c.777C>T, p.Leu259= (NM_001349956.3); c.978C>T, p.Leu326= (NM_145862.3).
Identifiers: ClinVar variation 384120 (VCV000384120.36), dbSNP rs1057521868, ClinGen allele CA16608607.

ClinVar aggregate classification (germline): Benign/Likely benign. Review status: criteria provided, multiple submitters, no conflicts (2 of 4 stars). 6 submissions from 6 submitters: Benign (1); Likely benign (5). Last evaluated 2026-01-07.

Conditions:
Familial cancer of breast. Also called: Hereditary breast cancer; BREAST CANCER, FAMILIAL; hereditary breast carcinoma. Identifiers: Orphanet 227535, MedGen C0346153, MONDO:0016419, OMIM 114480. Disease mechanism: loss of function.
Hereditary cancer-predisposing syndrome. Also called: Neoplastic Syndromes, Hereditary; Hereditary neoplastic syndrome; Tumor predisposition; Hereditary Cancer Syndrome. Identifiers: Orphanet 140162, MedGen C0027672, MeSH D009386, MONDO:0015356.

Allele frequency attached by ClinVar (database versions not stated): gnomAD exomes below 0.00001.
gnomAD v4.1: 2 of 1,614,014 alleles (0.00012%); highest among the groups gnomAD compares: Non-Finnish European, 0.00017%; no homozygotes.

Submissions (6):

Labcorp Genetics (formerly Invitae), Labcorp
Classification: Likely benign for Familial cancer of breast. Last evaluated: 2026-01-07. Review status: criteria provided, single submitter. Criteria: Invitae Variant Classification Sherloc (09022015). Collection method: clinical testing. Allele origin: germline.

Myriad Genetics, Inc.
Classification: Benign for Familial cancer of breast. Last evaluated: 2024-10-04. Review status: criteria provided, single submitter. Criteria: Myriad Autosomal Dominant, Autosomal Recessive and X-Linked Classification Criteria (2023). Collection method: clinical testing. Allele origin: unknown.
Comment: This variant is considered benign. This variant is a silent/synonymous amino acid change and it is not expected to impact splicing.

CeGaT Center for Human Genetics Tuebingen
Classification: Likely benign. Last evaluated: 2024-06-01. Review status: criteria provided, single submitter. Criteria: CeGaT Center For Human Genetics Tuebingen Variant Classification Criteria Version 2. Collection method: clinical testing. Allele origin: germline. Affected: yes. Observed: 1 variant allele.
Comment: CHEK2: BP4, BP7

Ambry Genetics
Classification: Likely benign for Hereditary cancer-predisposing syndrome. Last evaluated: 2017-09-22. Review status: criteria provided, single submitter. Criteria: Ambry Variant Classification Scheme 2023. Collection method: clinical testing. Allele origin: germline.

Color Diagnostics, LLC DBA Color Health
Classification: Likely benign for Hereditary cancer-predisposing syndrome. Last evaluated: 2017-01-19. Review status: criteria provided, single submitter. Criteria: ACMG Guidelines, 2015. Collection method: clinical testing. Allele origin: germline.

GeneDx
Classification: Likely benign. Last evaluated: 2016-02-22. Review status: criteria provided, single submitter. Criteria: GeneDx Variant Classification (06012015). Collection method: clinical testing. Allele origin: germline. Affected: yes.
Comment: This variant is considered likely benign or benign based on one or more of the following criteria: it is a conservative change, it occurs at a poorly conserved position in the protein, it is predicted to be benign by multiple in silico algorithms, and/or has population frequency not consistent with disease.